The following is an entry in ClinVar:

ClinVar aggregate classification (germline): Uncertain significance (1 of 4 stars; one submission).

Conditions:
FBN2-related disorder. Also called: FBN2-related condition.

Submission:

PreventionGenetics, part of Exact Sciences
Classification: Uncertain significance for FBN2-related condition. Last evaluated: 2024-12-22. Review status: criteria provided, single submitter. Criteria: ACMG Guidelines, 2015. Collection method: clinical testing. Allele origin: germline.
Comment: The FBN2 c.3094G>T variant is predicted to result in the amino acid substitution p.Ala1032Ser. To our knowledge, this variant has not been reported in the literature or in a large population database (gnomAD), indicating this variant is rare. At this time, the clinical significance of this variant is uncertain due to the absence of conclusive functional and genetic evidence.

NM_001999.4(FBN2):c.3094G>T (p.Ala1032Ser)

Genes: FBN2 (fibrillin 2; minus strand), LOC126807501 (BRD4-independent group 4 enhancer GRCh37_chr5:127680731-127681930; plus strand). Cytogenetic location: 5q23.3.
Variant type: single nucleotide variant.
Coding change: c.3094G>T on transcript NM_001999.4 (MANE Select); coding-DNA position 3094, G replaced by T.
Protein change: p.Ala1032Ser; replaces alanine 1032 with serine.
Molecular consequence: missense variant.
Genome position (GRCh38, 1-based): chr5:128,345,480, C>A on the plus strand (G>T on the coding strand, the complement: FBN2 is on the minus strand). VCF-style: chr5-128345480-C-A. GRCh37 (hg19) VCF-style: chr5-127681172-C-A.
Other names: short protein forms A1032S.
Identifiers: ClinVar variation 4998776 (VCV004998776.1).